The following is an entry in ClinVar:

ClinVar aggregate classification (germline): Pathogenic (1 of 4 stars; one submission).

Conditions:
Fraser syndrome 1 (FRASRS1). Also called: CRYPTOPHTHALMOS WITH OTHER MALFORMATIONS. Identifiers: Orphanet 2052, MedGen C4551480, MONDO:0054737, OMIM 219000.

Submission:

Service de Biochimie Médicale et Biologie Moléculaire, CHU Clermont-Ferrand
Classification: Pathogenic for Fraser syndrome 1. Last evaluated: 2018-09-14. Review status: criteria provided, single submitter. Criteria: ACMG Guidelines, 2015. Collection method: clinical testing. Allele origin: inherited. Inheritance: Autosomal recessive inheritance. Affected: yes.
Comment: This variant in homozygous state or compound heterozygous state induced Fraser syndrome phenotype

NM_025074.7(FRAS1):c.285C>A (p.Cys95Ter)

Gene: FRAS1 (Fraser extracellular matrix complex subunit 1; plus strand). Cytogenetic location: 4q21.21.
Variant type: single nucleotide variant.
Coding change: c.285C>A on transcript NM_025074.7 (MANE Select); coding-DNA position 285, C replaced by A.
Protein change: p.Cys95Ter; replaces cysteine 95 with a stop codon.
Molecular consequence: nonsense.
Genome position (GRCh38, 1-based): chr4:78,245,301, C>A. VCF-style: chr4-78245301-C-A. GRCh37 (hg19) VCF-style: chr4-79166455-C-A.
Other names: c.285C>A, p.Cys95Ter (NM_001166133.2); short protein forms C95*.
Identifiers: ClinVar variation 916637 (VCV000916637.1), dbSNP rs1725182255, ClinGen allele CA357351887.